The following is an entry in ClinVar:

ClinVar aggregate classification (germline): Uncertain significance. Review status: reviewed by expert panel (3 of 4 stars). 6 submissions from 6 submitters: Uncertain significance (1). 5 of the submissions do not count toward it. Last evaluated 2025-08-01.

Conditions:
RYR1-related disorder. Also called: RYR1-related disorders; RYR1-related condition. Identifiers: MedGen CN239331.
Congenital multicore myopathy with external ophthalmoplegia (CMYO1B). Also called: MULTICORE MYOPATHY; Minicore myopathy with external ophthalmoplegia; Congenital myopathy 1B, autosomal recessive; Minicore myopathy; MULTIMINICORE DISEASE WITH EXTERNAL OPHTHALMOPLEGIA. Identifiers: Orphanet 598, Orphanet 98905, MedGen C1850674, MONDO:0009712, OMIM 255320, HP:0003789.
King Denborough syndrome (KDS). Identifiers: MedGen C1840365, MONDO:0020485, OMIM 619542.
Central core myopathy (CMYO1A). Also called: Central core disease; Myopathy, central fibrillar; CONGENITAL MYOPATHY 1A, AUTOSOMAL DOMINANT, WITH SUSCEPTIBILITY TO MALIGNANT HYPERTHERMIA. Identifiers: Orphanet 597, MedGen C5830701, MONDO:0007294, OMIM 117000.
Congenital myopathy with fiber type disproportion. Also called: Congenital fiber-type disproportion myopathy; Congenital fiber-type disproportion. Identifiers: Orphanet 2020, MedGen C0546264, MONDO:0009711. Inheritance: all.
Malignant hyperthermia, susceptibility to, 1 (MHS1). Also called: RYR1-Related Malignant Hyperthermia Susceptibility; Malignant hyperthermia suceptibility 1; Anesthesia related hyperthermia; Malignant hyperpyrexia; Fulminating hyperpyrexia; Pharmacogenic myopathy. Identifiers: Orphanet 423, MedGen C2930980, MONDO:0007783, OMIM 145600.
Malignant hyperthermia of anesthesia. Also called: Anesthesic-triggered malignant hyperthermia. Identifiers: Orphanet 423, MedGen C0024591, MONDO:0018493, HP:0034733.

Allele frequency attached by ClinVar (database versions not stated): gnomAD 0.00001; TOPMed 0.00001.
gnomAD v4.1: 11 of 1,609,544 alleles (0.00068%); highest among the groups gnomAD compares: Admixed American, 0.01%; no homozygotes.

Submissions (6):

ClinGen Malignant Hyperthermia Susceptibility Variant Curation Expert Panel, ClinGen
Classification: Uncertain significance for Malignant hyperthermia of anesthesia. Last evaluated: 2025-08-01. Review status: reviewed by expert panel. Criteria: ClinGen MHS ACMG Specifications V2. Collection method: curation. Allele origin: germline. Inheritance: Autosomal dominant inheritance.
Comment: This pathogenicity assessment is relevant only for malignant hyperthermia susceptibility (MHS) inherited in an autosomal dominant pattern. Variants in RYR1 can also cause other myopathies inherited in an autosomal dominant pattern or in an autosomal recessive pattern. Some of these disorders may predispose individuals to malignant hyperthermia. RYR1 variants may also contribute to a malignant hyperthermia reaction in combination with other genetic and non-genetic factors and the clinician needs to consider such factors in making management decisions. This sequence variant predicts a substitution of threonine with isoleucine at codon 2596 of the RYR1 protein, p.(Thr2596Ile). The maximum allele frequency for this variant among the six major gnomAD populations is AMR: 0.000145, a frequency consistent with pathogenicity for MHS. This variant has been reported in an individual with a personal or family history of an MH episode without a positive in vitro contracture test (IVCT) or caffeine halothane contracture test (CHCT) result, PS4 not implemented (PMID:16917943). No functional studies were identified for this variant. This variant does not reside in a hotspot for pathogenic variants that contribute to MHS. A REVEL score of 0.822 supports neither a pathogenic nor a benign status for this variant. This variant has been classified as a Variant of Unknown Significance. No criteria implemented.

All of Us Research Program, National Institutes of Health
Classification: Uncertain significance for Malignant hyperthermia, susceptibility to, 1. Last evaluated: 2023-06-28. Review status: criteria provided, single submitter. Criteria: ACMG Guidelines, 2015. Collection method: clinical testing. Allele origin: germline. Inheritance: Autosomal dominant inheritance. Observed: 2 variant alleles, 2 heterozygotes. Not counted in ClinVar's aggregate classification.
Comment: This study involves interpretation of variants in research participants for the purpose of population health screening. Participant phenotype was not available at the time of variant classification. Additional details can be found in publication PMID: 35346344, PMCID: PMC8962531

Labcorp Genetics (formerly Invitae), Labcorp
Classification: Uncertain significance for RYR1-related disorder. Last evaluated: 2022-08-23. Review status: criteria provided, single submitter. Criteria: Invitae Variant Classification Sherloc (09022015). Collection method: clinical testing. Allele origin: germline. Not counted in ClinVar's aggregate classification.
Comment: In summary, the available evidence is currently insufficient to determine the role of this variant in disease. Therefore, it has been classified as a Variant of Uncertain Significance. Advanced modeling of protein sequence and biophysical properties (such as structural, functional, and spatial information, amino acid conservation, physicochemical variation, residue mobility, and thermodynamic stability) performed at Invitae indicates that this missense variant is expected to disrupt RYR1 protein function. ClinVar contains an entry for this variant (Variation ID: 133212). This missense change has been observed in individual(s) with malignant hyperthermia (PMID: 16917943). This variant is present in population databases (rs193922824, gnomAD 0.009%). This sequence change replaces threonine, which is neutral and polar, with isoleucine, which is neutral and non-polar, at codon 2596 of the RYR1 protein (p.Thr2596Ile).

Fulgent Genetics
Classification: Uncertain significance for Central core myopathy; Malignant hyperthermia, susceptibility to, 1; Congenital myopathy 4A, autosomal dominant; Congenital multicore myopathy with external ophthalmoplegia; King Denborough syndrome. Last evaluated: 2021-07-15. Review status: criteria provided, single submitter. Criteria: ACMG Guidelines, 2015. Collection method: clinical testing. Allele origin: unknown. Not counted in ClinVar's aggregate classification.

Revvity Omics, Revvity
Classification: Uncertain significance. Last evaluated: 2019-06-11. Review status: criteria provided, single submitter. Criteria: ACMG Guidelines, 2015. Collection method: clinical testing. Allele origin: germline. Not counted in ClinVar's aggregate classification.

RYR1 database
No classification provided. Review status: no classification provided. Collection method: not provided. Allele origin: unknown. Not counted in ClinVar's aggregate classification.

Literature cited by the submitters: PubMed 16917943 (cited by Labcorp Genetics (formerly Invitae), Labcorp).

NM_000540.3(RYR1):c.7787C>T (p.Thr2596Ile)

Gene: RYR1 (ryanodine receptor 1; plus strand). Cytogenetic location: 19q13.2.
Variant type: single nucleotide variant.
Coding change: c.7787C>T on transcript NM_000540.3 (MANE Select); coding-DNA position 7787, C replaced by T.
Protein change: p.Thr2596Ile; replaces threonine 2596 with isoleucine.
Molecular consequence: missense variant.
Genome position (GRCh38, 1-based): chr19:38,502,679, C>T. VCF-style: chr19-38502679-C-T. GRCh37 (hg19) VCF-style: chr19-38993319-C-T.
Other names: NM_000540.2(RYR1):c.7787C>T; p.Thr2596Ile; c.7787C>T, p.Thr2596Ile (NM_001042723.2); short protein forms T2596I.
Identifiers: ClinVar variation 133212 (VCV000133212.17), dbSNP rs193922824, ClinGen allele CA024853.